The following is an entry in ClinVar:

NM_182961.4(SYNE1):c.12794+218C>T

Gene: SYNE1 (spectrin repeat containing nuclear envelope protein 1; minus strand). Cytogenetic location: 6q25.2.
Variant type: single nucleotide variant.
Coding change: c.12794+218C>T on transcript NM_182961.4 (MANE Select); 218 bases into the intron after coding-DNA position 12794, C replaced by T.
Molecular consequence: intron variant.
Genome position (GRCh38, 1-based): chr6:152,333,790, G>A on the plus strand (C>T on the coding strand, the complement: SYNE1 is on the minus strand). VCF-style: chr6-152333790-G-A. GRCh37 (hg19) VCF-style: chr6-152654925-G-A.
Other names: NC_000006.11:g.152654925G>A; c.12581+218C>T (NM_033071.5).
Identifiers: ClinVar variation 674409 (VCV000674409.2), dbSNP rs112157624, ClinGen allele CA150181436.

ClinVar aggregate classification (germline): Benign (1 of 4 stars; one submission).

Allele frequency attached by ClinVar (database versions not stated): 1000 Genomes Project 0.03295; gnomAD 0.03413 and 0.03707; 1000 Genomes Project 30x 0.03670; TOPMed 0.03885.
gnomAD v4.1: 5,129 of 151,828 alleles (3.4%); highest among the groups gnomAD compares: African/African-American, 12%; 274 homozygotes.

Submissions (2):

GeneDx
Classification: Benign. Last evaluated: 2018-06-16. Review status: criteria provided, single submitter. Criteria: GeneDx Variant Classification (06012015). Collection method: clinical testing. Allele origin: germline. Affected: yes.
Comment: This variant is considered likely benign or benign based on one or more of the following criteria: it is a conservative change, it occurs at a poorly conserved position in the protein, it is predicted to be benign by multiple in silico algorithms, and/or has population frequency not consistent with disease.

Dr. Peter K. Rogan Lab, Western University
No classification provided (evidence only). Condition: Cervical cancer. Review status: no classification provided. Collection method: in vitro. Allele origin: not applicable. Functional consequence: retained intron. Not counted in ClinVar's aggregate classification.